The following is an entry in ClinVar:

ClinVar aggregate classification (germline): Benign/Likely benign. Review status: criteria provided, multiple submitters, no conflicts (2 of 4 stars). 8 submissions from 8 submitters: Benign (4); Likely benign (4). Last evaluated 2026-07-01.

Conditions:
Nephronophthisis. Also called: Juvenile Nephronophthisis. Identifiers: Orphanet 655, MedGen C0687120, MONDO:0019005, HP:0000090.
Nephronophthisis 7 (NPHP7). Identifiers: Orphanet 655, MedGen C1969092, MONDO:0012680, OMIM 611498.

Allele frequency attached by ClinVar (database versions not stated): 1000 Genomes Project 30x 0.00156; 1000 Genomes Project 0.00160; ExAC 0.00632; gnomAD exomes 0.00656; TOPMed 0.00791; gnomAD 0.00866; ESP Exome Variant Server 0.01116.
gnomAD v4.1: 17,843 of 1,613,142 alleles (1.1%); highest among the groups gnomAD compares: Non-Finnish European, 1.4%; 116 homozygotes.

Submissions (8):

CeGaT Center for Human Genetics Tuebingen
Classification: Benign. Last evaluated: 2026-07-01. Review status: criteria provided, single submitter. Criteria: CeGaT Center For Human Genetics Tuebingen Variant Classification Criteria Version 2. Collection method: clinical testing. Allele origin: germline. Affected: yes. Observed: 5 variant alleles.
Comment: GLIS2: BP4, BP7, BS1, BS2

Labcorp Genetics (formerly Invitae), Labcorp
Classification: Benign for Nephronophthisis. Last evaluated: 2026-01-25. Review status: criteria provided, single submitter. Criteria: Invitae Variant Classification Sherloc (09022015). Collection method: clinical testing. Allele origin: germline.

Blueprint Genetics
Classification: Likely benign. Last evaluated: 2024-11-26. Review status: criteria provided, single submitter. Criteria: ACMG Guidelines, 2015. Collection method: clinical testing. Allele origin: germline.

GeneDx
Classification: Likely benign. Last evaluated: 2020-11-03. Review status: criteria provided, single submitter. Criteria: GeneDx Variant Classification Process June 2021. Collection method: clinical testing. Allele origin: germline. Affected: yes.

Illumina Laboratory Services, Illumina
Classification: Likely benign for Nephronophthisis 7. Last evaluated: 2018-01-13. Review status: criteria provided, single submitter. Criteria: ICSL Variant Classification Criteria 13 December 2019. Collection method: clinical testing. Allele origin: germline.
Comment: This variant was observed in the ICSL laboratory as part of a predisposition screen in an ostensibly healthy population. It had not been previously curated by ICSL or reported in the Human Gene Mutation Database (HGMD: prior to June 1st, 2018), and was therefore a candidate for classification through an automated scoring system. Utilizing variant allele frequency, disease prevalence and penetrance estimates, and inheritance mode, an automated score was calculated to assess if this variant is too frequent to cause the disease. Based on the score and internal cut-off values, a variant classified as likely benign is not then subjected to further curation. The score for this variant resulted in a classification of likely benign for this disease.

Eurofins Ntd Llc (ga)
Classification: Benign. Last evaluated: 2017-01-30. Review status: criteria provided, single submitter. Criteria: EGL Classification Definitions 2015. Collection method: clinical testing. Allele origin: germline. Observed: 1 variant allele, 1 heterozygote.

Breakthrough Genomics
Classification: Likely benign. Review status: criteria provided, single submitter. Criteria: ACMG Guidelines, 2015. Collection method: not provided. Allele origin: germline. Inheritance: Unknown mechanism. Affected: yes.

PreventionGenetics, part of Exact Sciences
Classification: Benign. Review status: criteria provided, single submitter. Criteria: ACMG Guidelines, 2015. Collection method: clinical testing. Allele origin: germline.

NM_032575.3(GLIS2):c.70C>A (p.Arg24=)

Gene: GLIS2 (GLIS family zinc finger 2; plus strand). Cytogenetic location: 16p13.3.
Variant type: single nucleotide variant.
Coding change: c.70C>A on transcript NM_032575.3 (MANE Select); coding-DNA position 70, C replaced by A.
Protein change: p.Arg24=; no amino-acid change (arginine 24 retained).
Molecular consequence: synonymous variant.
Genome position (GRCh38, 1-based): chr16:4,332,350, C>A. VCF-style: chr16-4332350-C-A. GRCh37 (hg19) VCF-style: chr16-4382351-C-A.
Other names: c.70C>A, p.Arg24= (NM_001318918.2).
Identifiers: ClinVar variation 215539 (VCV000215539.48), dbSNP rs34543395, ClinGen allele CA337411.
Genomic context (GRCh38, chr16:4,332,350, plus strand): 5'-CTGGACGAGCCGCTCGACCTGAAGCTGAGTATCACCAAGCTCCGGGCGGCAAGAGAGAAG[C>A]GGGAGAGGACGCTGGGTGTGGTCCGGCCCCGTGCTCTGCACAGGGAGCTGGGCCTGGTGG-3'
Protein context (NP_115964.2, residues 14-34): ITKLRAAREK[Arg24=]ERTLGVVRPR